The following is an entry in ClinVar:

NM_016216.4(DBR1):c.1321G>A (p.Val441Ile)

Gene: DBR1 (debranching RNA lariats 1; minus strand). Cytogenetic location: 3q22.3.
Variant type: single nucleotide variant.
Coding change: c.1321G>A on transcript NM_016216.4 (MANE Select); coding-DNA position 1321, G replaced by A.
Protein change: p.Val441Ile; replaces valine 441 with isoleucine.
Molecular consequence: missense variant.
Genome position (GRCh38, 1-based): chr3:138,162,203, C>T on the plus strand (G>A on the coding strand, the complement: DBR1 is on the minus strand). VCF-style: chr3-138162203-C-T. GRCh37 (hg19) VCF-style: chr3-137881045-C-T.
Other names: c.1321G>A (NM_016216.3); short protein forms V441I.
Identifiers: ClinVar variation 1913814 (VCV001913814.5), dbSNP rs868693194, ClinGen allele CA83879549.

ClinVar aggregate classification (germline): Uncertain significance. Review status: criteria provided, multiple submitters, no conflicts (2 of 4 stars). 2 submissions from 2 submitters: Uncertain significance (2). Last evaluated 2025-08-04.

Conditions:
Inborn genetic diseases. Identifiers: MedGen C0950123, MeSH D030342.

Allele frequency attached by ClinVar (database versions not stated): TOPMed 0.00002.

Submissions (2):

Ambry Genetics
Classification: Uncertain significance for Inborn genetic diseases. Last evaluated: 2025-08-04. Review status: criteria provided, single submitter. Criteria: Ambry Variant Classification Scheme 2023. Collection method: clinical testing. Allele origin: germline.

Labcorp Genetics (formerly Invitae), Labcorp
Classification: Uncertain significance. Last evaluated: 2024-10-24. Review status: criteria provided, single submitter. Criteria: Invitae Variant Classification Sherloc (09022015). Collection method: clinical testing. Allele origin: germline.
Comment: This sequence change replaces valine, which is neutral and non-polar, with isoleucine, which is neutral and non-polar, at codon 441 of the DBR1 protein (p.Val441Ile). This variant is present in population databases (no rsID available, gnomAD 0.0009%). This variant has not been reported in the literature in individuals affected with DBR1-related conditions. ClinVar contains an entry for this variant (Variation ID: 1913814). An algorithm developed to predict the effect of missense changes on protein structure and function outputs the following: PolyPhen-2: "Benign". The isoleucine amino acid residue is found in multiple mammalian species, which suggests that this missense change does not adversely affect protein function. In summary, the available evidence is currently insufficient to determine the role of this variant in disease. Therefore, it has been classified as a Variant of Uncertain Significance.